The following is an entry in ClinVar:

ClinVar aggregate classification (germline): Conflicting classifications of pathogenicity. Review status: criteria provided, conflicting classifications (1 of 4 stars). 3 submissions from 3 submitters: Uncertain significance (2); Likely benign (1). Last evaluated 2026-01-15.

Conditions:
Catecholaminergic polymorphic ventricular tachycardia 1. Also called: VENTRICULAR TACHYCARDIA, CATECHOLAMINERGIC POLYMORPHIC, 1, WITH OR WITHOUT ATRIAL DYSFUNCTION AND/OR DILATED CARDIOMYOPATHY; VENTRICULAR TACHYCARDIA, STRESS-INDUCED POLYMORPHIC 1; RYR2-Related Catecholaminergic Polymorphic Ventricular Tachycardia. Identifiers: Orphanet 3286, MedGen C1631597, MONDO:0011484, OMIM 604772.
Catecholaminergic polymorphic ventricular tachycardia (CVPT). Also called: Catecholamine-induced polymorphic ventricular tachycardia. Identifiers: Orphanet 3286, MedGen C5574922, MONDO:0017990.
Cardiomyopathy (CMYO). Also called: Cardiomyopathies. Identifiers: Orphanet 167848, MedGen C0878544, MONDO:0004994, HP:0001638. Inheritance: Various modes of inheritance.

gnomAD v4.1: 7 of 1,611,826 alleles (0.00043%); highest among the groups gnomAD compares: East Asian, 0.0067%; no homozygotes.

Submissions (3):

Labcorp Genetics (formerly Invitae), Labcorp
Classification: Likely benign for Catecholaminergic polymorphic ventricular tachycardia 1. Last evaluated: 2026-01-15. Review status: criteria provided, single submitter. Criteria: Invitae Variant Classification Sherloc (09022015). Collection method: clinical testing. Allele origin: germline.

Color Diagnostics, LLC DBA Color Health
Classification: Uncertain significance for Cardiomyopathy. Last evaluated: 2025-03-31. Review status: criteria provided, single submitter. Criteria: ACMG Guidelines, 2015. Collection method: clinical testing. Allele origin: germline.
Comment: This missense variant replaces arginine with histidine at codon 3397 of the RYR2 protein. Computational prediction suggests that this variant may not impact protein structure and function. To our knowledge, functional studies have not been performed for this variant. This variant has been reported in an individual affected with eccentric left ventricular hypertrophy (PMID: 28123168). This variant has also been reported in an individual affected with long QT syndrome; however, the individual's parent who also carried the variant was clinically unaffected (PMID: 32681117). This variant has been identified in 3/278184 chromosomes in the general population by the Genome Aggregation Database (gnomAD). The available evidence is insufficient to determine the role of this variant in disease conclusively. Therefore, this variant is classified as a Variant of Uncertain Significance.

All of Us Research Program, National Institutes of Health
Classification: Uncertain significance for Catecholaminergic polymorphic ventricular tachycardia. Last evaluated: 2024-06-11. Review status: criteria provided, single submitter. Criteria: ACMG Guidelines, 2015. Collection method: clinical testing. Allele origin: germline. Inheritance: Autosomal dominant inheritance. Observed: 1 variant allele, 1 heterozygote.
Comment: This missense variant replaces arginine with histidine at codon 3397 of the RYR2 protein. Computational prediction suggests that this variant may not impact protein structure and function (internally defined REVEL score threshold <= 0.5, PMID: 27666373). To our knowledge, functional studies have not been performed for this variant. This variant has been reported in one individual affected with eccentric left ventricular hypertrophy (PMID: 28123168). This variant has also been reported in one individual affected with long QT syndrome; however, the individual's mother who also carried the variant didn't show the phenotype (PMID: 32681117). This variant has been identified in 3/278184 chromosomes in the general population by the Genome Aggregation Database (gnomAD). The available evidence is insufficient to determine the role of this variant in disease conclusively. Therefore, this variant is classified as a Variant of Uncertain Significance.

This study involves interpretation of variants in research participants for the purpose of population health screening. Participant phenotype was not available at the time of variant classification. Additional details can be found in publication PMID: 35346344, PMCID: PMC8962531

Literature cited by the submitters: PubMed 28123168 (cited by Color Diagnostics, LLC DBA Color Health and All of Us Research Program, National Institutes of Health); PubMed 32681117 (cited by Color Diagnostics, LLC DBA Color Health and All of Us Research Program, National Institutes of Health).

NM_001035.3(RYR2):c.10190G>A (p.Arg3397His)

Gene: RYR2 (ryanodine receptor 2; plus strand). Cytogenetic location: 1q43.
Variant type: single nucleotide variant.
Coding change: c.10190G>A on transcript NM_001035.3 (MANE Select); coding-DNA position 10190, G replaced by A.
Protein change: p.Arg3397His; replaces arginine 3397 with histidine.
Molecular consequence: missense variant.
Genome position (GRCh38, 1-based): chr1:237,709,527, G>A. VCF-style: chr1-237709527-G-A. GRCh37 (hg19) VCF-style: chr1-237872827-G-A.
Other names: short protein forms R3397H.
Identifiers: ClinVar variation 927259 (VCV000927259.9), dbSNP rs753630324, ClinGen allele CA345411678.